The following is an entry in ClinVar:

NM_004370.6(COL12A1):c.8690A>T (p.Asp2897Val)

Gene: COL12A1 (collagen type XII alpha 1 chain; minus strand). Cytogenetic location: 6q13.
Variant type: single nucleotide variant.
Coding change: c.8690A>T on transcript NM_004370.6 (MANE Select); coding-DNA position 8690, A replaced by T.
Protein change: p.Asp2897Val; replaces aspartic acid 2897 with valine.
Molecular consequence: missense variant.
Genome position (GRCh38, 1-based): chr6:75,091,385, T>A on the plus strand (A>T on the coding strand, the complement: COL12A1 is on the minus strand). VCF-style: chr6-75091385-T-A. GRCh37 (hg19) VCF-style: chr6-75801101-T-A.
Other names: c.8690A>T, p.Asp2897Val (NM_001424113.1); c.8669A>T, p.Asp2890Val (NM_001424114.1); c.8417A>T, p.Asp2806Val (NM_001424115.1); c.5198A>T, p.Asp1733Val (NM_001424116.1, NM_080645.3); short protein forms D1733V, D2806V, D2890V, D2897V.
Identifiers: ClinVar variation 3372867 (VCV003372867.1).

ClinVar aggregate classification (germline): Uncertain significance (1 of 4 stars; one submission).

Submission:

GeneDx
Classification: Uncertain significance. Last evaluated: 2024-04-19. Review status: criteria provided, single submitter. Criteria: GeneDx Variant Classification Process June 2021. Collection method: clinical testing. Allele origin: germline. Affected: yes.
Comment: Not observed at significant frequency in large population cohorts (gnomAD); In silico analysis supports that this missense variant has a deleterious effect on protein structure/function; Has not been previously published as pathogenic or benign to our knowledge